The following is an entry in ClinVar:

ClinVar aggregate classification (germline): Uncertain significance (1 of 4 stars; one submission).

Conditions:
Primary open angle glaucoma (POAG). Also called: OPTN-related open angle glaucoma. Identifiers: MedGen C0339573, MONDO:0100553, OMIM 137760.
Amyotrophic lateral sclerosis type 12 (ALS12). Also called: AMYOTROPHIC LATERAL SCLEROSIS 12 WITH OR WITHOUT FRONTOTEMPORAL DEMENTIA. Identifiers: Orphanet 803, MedGen C3150692, MONDO:0013264, OMIM 613435.
Glaucoma 1, open angle, E. Identifiers: MedGen C1842026, MONDO:0007665.

Submission:

Labcorp Genetics (formerly Invitae), Labcorp
Classification: Uncertain significance for Primary open angle glaucoma; Glaucoma 1, open angle, E; Amyotrophic lateral sclerosis type 12. Last evaluated: 2025-07-31. Review status: criteria provided, single submitter. Criteria: Invitae Variant Classification Sherloc (09022015). Collection method: clinical testing. Allele origin: germline.
Comment: This sequence change replaces histidine, which is basic and polar, with glutamine, which is neutral and polar, at codon 197 of the OPTN protein (p.His197Gln). This variant is not present in population databases (gnomAD no frequency). This variant has not been reported in the literature in individuals affected with OPTN-related conditions. ClinVar contains an entry for this variant (Variation ID: 1972747). Invitae Evidence Modeling of protein sequence and biophysical properties (such as structural, functional, and spatial information, amino acid conservation, physicochemical variation, residue mobility, and thermodynamic stability) indicates that this missense variant is not expected to disrupt OPTN protein function with a negative predictive value of 80%. In summary, the available evidence is currently insufficient to determine the role of this variant in disease. Therefore, it has been classified as a Variant of Uncertain Significance.

NM_001008212.2(OPTN):c.591T>G (p.His197Gln)

Gene: OPTN (optineurin; plus strand). Cytogenetic location: 10p13.
Variant type: single nucleotide variant.
Coding change: c.591T>G on transcript NM_001008212.2 (MANE Select); coding-DNA position 591, T replaced by G.
Protein change: p.His197Gln; replaces histidine 197 with glutamine.
Molecular consequence: missense variant.
Genome position (GRCh38, 1-based): chr10:13,116,305, T>G. VCF-style: chr10-13116305-T-G. GRCh37 (hg19) VCF-style: chr10-13158305-T-G.
Other names: c.591T>G, p.His197Gln (NM_001008211.1, NM_001008213.1, NM_021980.4); short protein forms H197Q.
Identifiers: ClinVar variation 1972747 (VCV001972747.5), dbSNP rs2539051155, ClinGen allele CA376028256.